The following is an entry in ClinVar:

NM_020738.4(KIDINS220):c.106G>A (p.Glu36Lys)

Gene: KIDINS220 (kinase D interacting substrate 220; minus strand). Cytogenetic location: 2p25.1.
Variant type: single nucleotide variant.
Coding change: c.106G>A on transcript NM_020738.4 (MANE Select); coding-DNA position 106, G replaced by A.
Protein change: p.Glu36Lys; replaces glutamic acid 36 with lysine.
Molecular consequence: missense variant. On other transcripts: 5 prime UTR variant (1), non-coding transcript variant (2).
Genome position (GRCh38, 1-based): chr2:8,826,988, C>T on the plus strand (G>A on the coding strand, the complement: KIDINS220 is on the minus strand). VCF-style: chr2-8826988-C-T. GRCh37 (hg19) VCF-style: chr2-8967118-C-T.
Other names: c.106G>A, p.Glu36Lys (NM_001348729.2, NM_001348731.2, NM_001348732.2 and 9 more transcripts); c.-192G>A (NM_001348736.2); short protein forms E36K.
Identifiers: ClinVar variation 4982410 (VCV004982410.1).

ClinVar aggregate classification (germline): Uncertain significance (1 of 4 stars; one submission).

Conditions:
KIDINS220-related disorder. Also called: KIDINS220-related condition.

Submission:

PreventionGenetics, part of Exact Sciences
Classification: Uncertain significance for KIDINS220-related condition. Last evaluated: 2025-12-16. Review status: criteria provided, single submitter. Criteria: ACMG Guidelines, 2015. Collection method: clinical testing. Allele origin: germline.
Comment: The KIDINS220 c.106G>A variant is predicted to result in the amino acid substitution p.Glu36Lys. To our knowledge, this variant has not been reported in the literature or in a large population database (gnomAD), indicating this variant is rare. At this time, the clinical significance of this variant is uncertain due to the absence of conclusive functional and genetic evidence.